The following is an entry in ClinVar:

NC_000023.10:g.(31854937_31893304)_(32235181_32305645)dup

Gene: DMD (dystrophin; minus strand). Cytogenetic location: Xp21.1.
Variant type: Duplication.
Identifiers: ClinVar variation 1704542 (VCV001704542.1).

ClinVar aggregate classification (germline): Likely pathogenic (1 of 4 stars; one submission).

Conditions:
Neuromuscular disease caused by qualitative or quantitative defects of dystrophin. Also called: Qualitative or quantitative defects of dystrophin. Identifiers: Orphanet 207085, MedGen C5679787, MONDO:0016147.

Submission:

Women's Health and Genetics/Laboratory Corporation of America, LabCorp
Classification: Likely pathogenic for Neuromuscular disease caused by qualitative or quantitative defects of dystrophin. Last evaluated: 2022-07-22. Review status: criteria provided, single submitter. Criteria: LabCorp Variant Classification Summary - May 2015. Collection method: clinical testing. Allele origin: germline.
Comment: Variant summary: The variant identified by MLPA or other technology involves the duplication of exons 44-48 in the DMD gene. A presumed nomenclature of c.(6290+1_6291-1)_(7098+1_7099-1)dup has been designated for the purposes of this classification. It has been assumed that this is a tandem duplication in direct orientation (Richardson_GIM_2018, Newman_AJHG_2015). Although exact breakpoints of this duplication are not known, it is expected to result in a frameshift change in the DMD gene. The variant was absent in 15814 control chromosomes (gnomAD database, Structural Variants dataset). Duplication of exons 44-48 has been reported in the literature in individuals affected with Dystrophinopathies (e.g. Stockley_2006, Guo_2015). These data indicate that the variant is likely associated with disease. To our knowledge, no experimental evidence demonstrating an impact on protein function has been reported. One clinical diagnostic laboratory has submitted clinical-significance assessments for this variant to ClinVar after 2014 and classified the variant as pathogenic. Based on the evidence outlined above, the variant was classified as likely pathogenic.

Literature cited by the submitters: PubMed 25972034; PubMed 17253928.